The following is an entry in ClinVar:

NM_001161417.2(GPR17):c.972C>T (p.Phe324=)

Genes: LIMS2 (LIM zinc finger domain containing 2; minus strand), GPR17 (G protein-coupled receptor 17; plus strand). Cytogenetic location: 2q14.3.
Variant type: single nucleotide variant.
Coding change: c.972C>T on transcript NM_001161417.2 (MANE Select); coding-DNA position 972, C replaced by T.
Protein change: p.Phe324=; no amino-acid change (phenylalanine 324 retained).
Molecular consequence: synonymous variant. On other transcripts: intron variant (4).
Genome position (GRCh38, 1-based): chr2:127,651,707, C>T. VCF-style: chr2-127651707-C-T. GRCh37 (hg19) VCF-style: chr2-128409281-C-T.
Other names: c.1056C>T, p.Phe352= (NM_001161415.2, NM_005291.3); c.972C>T, p.Phe324= (NM_001161416.2); c.344+2717G>A (NM_001161404.2); c.359+2717G>A (NM_001161403.3); c.425+2717G>A (NM_001136037.4); c.431+2717G>A (NM_017980.5).
Identifiers: ClinVar variation 4820870 (VCV004820870.4).

ClinVar aggregate classification (germline): Likely benign (1 of 4 stars; one submission).

gnomAD v4.1: 3,616 of 1,613,094 alleles (0.22%); highest among the groups gnomAD compares: Non-Finnish European, 0.27%; 12 homozygotes.

Submission:

CeGaT Center for Human Genetics Tuebingen
Classification: Likely benign. Last evaluated: 2026-05-01. Review status: criteria provided, single submitter. Criteria: CeGaT Center For Human Genetics Tuebingen Variant Classification Criteria Version 2. Collection method: clinical testing. Allele origin: germline. Affected: yes. Observed: 2 variant alleles.
Comment: GPR17: BP4, BP7